The following is an entry in ClinVar:

ClinVar aggregate classification (germline): Uncertain significance (1 of 4 stars; one submission).

gnomAD v4.1: 2 of 1,596,866 alleles (0.00013%); highest among the groups gnomAD compares: Non-Finnish European, 0.00017%; no homozygotes.

Submission:

Labcorp Genetics (formerly Invitae), Labcorp
Classification: Uncertain significance. Last evaluated: 2022-08-20. Review status: criteria provided, single submitter. Criteria: Invitae Variant Classification Sherloc (09022015). Collection method: clinical testing. Allele origin: germline.
Comment: In summary, the available evidence is currently insufficient to determine the role of this variant in disease. Therefore, it has been classified as a Variant of Uncertain Significance. This variant is not present in population databases (gnomAD no frequency). This variant has not been reported in the literature in individuals affected with NBAS-related conditions. Algorithms developed to predict the effect of missense changes on protein structure and function are either unavailable or do not agree on the potential impact of this missense change (SIFT: "Deleterious"; PolyPhen-2: "Benign"; Align-GVGD: "Class C65"). This sequence change replaces tyrosine, which is neutral and polar, with aspartic acid, which is acidic and polar, at codon 640 of the NBAS protein (p.Tyr640Asp).

NM_015909.4(NBAS):c.1918T>G (p.Tyr640Asp)

Gene: NBAS (NBAS subunit of NRZ tethering complex; minus strand). Cytogenetic location: 2p24.3.
Variant type: single nucleotide variant.
Coding change: c.1918T>G on transcript NM_015909.4 (MANE Select); coding-DNA position 1918, T replaced by G.
Protein change: p.Tyr640Asp; replaces tyrosine 640 with aspartic acid.
Molecular consequence: missense variant. On other transcripts: non-coding transcript variant (1).
Genome position (GRCh38, 1-based): chr2:15,467,764, A>C on the plus strand (T>G on the coding strand, the complement: NBAS is on the minus strand). VCF-style: chr2-15467764-A-C. GRCh37 (hg19) VCF-style: chr2-15607888-A-C.
Other names: short protein forms Y640D.
Identifiers: ClinVar variation 2127676 (VCV002127676.4), dbSNP rs1292033269, ClinGen allele CA345883102.
Genomic context (GRCh38, chr2:15,467,764, plus strand): 5'-TGAGCTCCTTTTCCTTTTTATTCTTGGCAGGCTCTTCATCAGGTGGTGAAAGCTCTTCAT[A>C]GGAGATACTGTCAATGTCTATTTCACCAGGTAATGTAAATCTGCAAGTATAAAAGAACAA-3'
Protein context (NP_056993.2, residues 630-650): PGEIDIDSIS[Tyr640Asp]EELSPPDEEP